The following is an entry in ClinVar:

ClinVar aggregate classification (germline): Likely benign (0 of 4 stars; one submission).

Conditions:
PPP1R9B-related disorder. Also called: PPP1R9B-related condition.

Submission:

PreventionGenetics, part of Exact Sciences
Classification: Likely benign for PPP1R9B-related condition. Last evaluated: 2022-10-21. Review status: no assertion criteria provided. Collection method: clinical testing. Allele origin: germline.
Comment: This variant is classified as likely benign based on ACMG/AMP sequence variant interpretation guidelines (Richards et al. 2015 PMID: 25741868, with internal and published modifications).

NM_032595.5(PPP1R9B):c.234G>C (p.Ala78=)

Gene: PPP1R9B (protein phosphatase 1 regulatory subunit 9B; minus strand). Cytogenetic location: 17q21.33.
Variant type: single nucleotide variant.
Coding change: c.234G>C on transcript NM_032595.5 (MANE Select); coding-DNA position 234, G replaced by C.
Protein change: p.Ala78=; no amino-acid change (alanine 78 retained).
Molecular consequence: synonymous variant.
Genome position (GRCh38, 1-based): chr17:50,150,280, C>G on the plus strand (G>C on the coding strand, the complement: PPP1R9B is on the minus strand). VCF-style: chr17-50150280-C-G. GRCh37 (hg19) VCF-style: chr17-48227641-C-G.
Identifiers: ClinVar variation 3029795 (VCV003029795.2), dbSNP rs1281442642, ClinGen allele CA500991434.
Genomic context (GRCh38, chr17:50,150,280, plus strand): 5'-GGCCCGCGGCAGCGACAGGCGCACGCCGCGCTCGGACGCCCGTGGGGCCTCGGCCAGGCC[C>G]GCGCCGCCGCCCGCCTCGCCCGAGGGCCCCGCCGTCGTGCCCATCTGCAGGAACATACTT-3'
Protein context (NP_115984.3, residues 68-88): AGPSGEAGGG[Ala78=]GLAEAPRASE